The following is an entry in ClinVar:

ClinVar aggregate classification (germline): Uncertain significance. Review status: criteria provided, multiple submitters, no conflicts (2 of 4 stars). 3 submissions from 3 submitters: Uncertain significance (2). 1 of the submissions does not count toward it. Last evaluated 2026-01-18.

Conditions:
Nonsyndromic genetic hearing loss. Also called: Nonsyndromic genetic deafness; Nonsyndromic hearing loss and deafness; Non-syndromic genetic deafness. Identifiers: Orphanet 87884, MedGen C5680182, MONDO:0019497.
Amenorrhea. Identifiers: MedGen C0002453, MONDO:0001836, HP:0000141.

Allele frequency attached by ClinVar (database versions not stated): TOPMed 0.00005; gnomAD 0.00006 and 0.00007; gnomAD exomes 0.00006; ExAC 0.00007.
gnomAD v4.1: 93 of 1,613,732 alleles (0.0058%); highest among the groups gnomAD compares: Middle Eastern, 0.066%; no homozygotes.

Submissions (3):

Labcorp Genetics (formerly Invitae), Labcorp
Classification: Uncertain significance. Last evaluated: 2026-01-18. Review status: criteria provided, single submitter. Criteria: Invitae Variant Classification Sherloc (09022015). Collection method: clinical testing. Allele origin: germline.
Comment: This sequence change replaces methionine, which is neutral and non-polar, with valine, which is neutral and non-polar, at codon 563 of the DMXL2 protein (p.Met563Val). This variant is present in population databases (rs772129232, gnomAD 0.01%). This variant has not been reported in the literature in individuals affected with DMXL2-related conditions. ClinVar contains an entry for this variant (Variation ID: 1344760). An algorithm developed to predict the effect of missense changes on protein structure and function (PolyPhen-2) suggests that this variant is likely to be tolerated. In summary, the available evidence is currently insufficient to determine the role of this variant in disease. Therefore, it has been classified as a Variant of Uncertain Significance.

Department of Pathology and Laboratory Medicine, Sinai Health System
Classification: Uncertain significance for nonsyndromic genetic hearing loss. Last evaluated: 2023-04-24. Review status: criteria provided, single submitter. Criteria: ACMG Guidelines, 2015. Collection method: research. Allele origin: germline.

Yale Center for Mendelian Genomics, Yale University
Classification: Uncertain significance for Amenorrhea. Last evaluated: 2021-03-08. Review status: no assertion criteria provided. Collection method: literature only. Allele origin: unknown. Affected: yes. Observed: 1 heterozygote. Study: Yale Center for Mendelian Genomics. Not counted in ClinVar's aggregate classification.

Literature cited by the submitters: PubMed 32870266 (cited by Yale Center for Mendelian Genomics, Yale University).

NM_001378457.1(DMXL2):c.1687A>G (p.Met563Val)

Gene: DMXL2 (Dmx like 2; minus strand). Cytogenetic location: 15q21.2.
Variant type: single nucleotide variant.
Coding change: c.1687A>G on transcript NM_001378457.1 (MANE Select); coding-DNA position 1687, A replaced by G.
Protein change: p.Met563Val; replaces methionine 563 with valine.
Molecular consequence: missense variant. On other transcripts: non-coding transcript variant (2).
Genome position (GRCh38, 1-based): chr15:51,536,793, T>C on the plus strand (A>G on the coding strand, the complement: DMXL2 is on the minus strand). VCF-style: chr15-51536793-T-C. GRCh37 (hg19) VCF-style: chr15-51828990-T-C.
Other names: c.1687A>G, p.Met563Val (NM_001174116.3, NM_001174117.3, NM_001378458.1 and 6 more transcripts); c.1447A>G, p.Met483Val (NM_001378464.1); short protein forms M483V, M563V.
Identifiers: ClinVar variation 1344760 (VCV001344760.5), dbSNP rs772129232, ClinGen allele CA7562525.